The following is an entry in ClinVar:

ClinVar aggregate classification (germline): Uncertain significance (1 of 4 stars; one submission).

Conditions:
Hereditary cancer-predisposing syndrome. Also called: Neoplastic Syndromes, Hereditary; Hereditary neoplastic syndrome; Tumor predisposition; Hereditary Cancer Syndrome. Identifiers: Orphanet 140162, MedGen C0027672, MeSH D009386, MONDO:0015356.

Submission:

Ambry Genetics
Classification: Uncertain significance for Hereditary cancer-predisposing syndrome. Last evaluated: 2026-01-22. Review status: criteria provided, single submitter. Criteria: Ambry Variant Classification Scheme 2023. Collection method: clinical testing. Allele origin: germline.
Comment: The p.M797I variant (also known as c.2391G>T), located in coding exon 14 of the PMS2 gene, results from a G to T substitution at nucleotide position 2391. The methionine at codon 797 is replaced by isoleucine, an amino acid with highly similar properties. This amino acid position is conserved. In addition, the in silico prediction for this alteration is inconclusive. Based on the available evidence, the clinical significance of this variant remains unclear.

NM_000535.7(PMS2):c.2391G>T (p.Met797Ile)

Gene: PMS2 (PMS1 homolog 2, mismatch repair system component; minus strand). Cytogenetic location: 7p22.1.
Variant type: single nucleotide variant.
Coding change: c.2391G>T on transcript NM_000535.7 (MANE Select); coding-DNA position 2391, G replaced by T.
Protein change: p.Met797Ile; replaces methionine 797 with isoleucine.
Molecular consequence: missense variant. On other transcripts: non-coding transcript variant (1).
Genome position (GRCh38, 1-based): chr7:5,977,642, C>A on the plus strand (G>T on the coding strand, the complement: PMS2 is on the minus strand). VCF-style: chr7-5977642-C-A. GRCh37 (hg19) VCF-style: chr7-6017273-C-A.
Other names: c.1986G>T, p.Met662Ile (NM_001322003.2, NM_001322004.2, NM_001322005.2 and 11 more transcripts); c.2235G>T, p.Met745Ile (NM_001322006.2); c.2073G>T, p.Met691Ile (NM_001322007.2, NM_001322008.2, NM_001406883.1); c.2019G>T, p.Met673Ile (NM_001322009.2, NM_001406887.1, NM_001406888.1); c.1830G>T, p.Met610Ile (NM_001322010.2, NM_001406906.1, NM_001406907.1); c.1458G>T, p.Met486Ile (NM_001322011.2, NM_001322012.2); c.2193G>T, p.Met731Ile (NM_001406873.1); c.2223G>T, p.Met741Ile (NM_001406874.1, NM_001406872.1); and 20 more; short protein forms M675I, M749I, M756I, M805I, M486I, M606I, M610I, M639I.
Identifiers: ClinVar variation 4824564 (VCV004824564.1).